The following is an entry in ClinVar:

NM_000372.5(TYR):c.355G>T (p.Val119Leu)

Gene: TYR (tyrosinase; plus strand). Cytogenetic location: 11q14.3.
Variant type: single nucleotide variant.
Coding change: c.355G>T on transcript NM_000372.5 (MANE Select); coding-DNA position 355, G replaced by T.
Protein change: p.Val119Leu; replaces valine 119 with leucine.
Molecular consequence: missense variant.
Genome position (GRCh38, 1-based): chr11:89,178,308, G>T. VCF-style: chr11-89178308-G-T. GRCh37 (hg19) VCF-style: chr11-88911476-G-T.
Other names: short protein forms V119L.
Identifiers: ClinVar variation 1368181 (VCV001368181.8), dbSNP rs2135242140, ClinGen allele CA382034214.

ClinVar aggregate classification (germline): Uncertain significance (1 of 4 stars; one submission).

Submission:

Labcorp Genetics (formerly Invitae), Labcorp
Classification: Uncertain significance. Last evaluated: 2025-05-12. Review status: criteria provided, single submitter. Criteria: Invitae Variant Classification Sherloc (09022015). Collection method: clinical testing. Allele origin: germline.
Comment: This sequence change replaces valine, which is neutral and non-polar, with leucine, which is neutral and non-polar, at codon 119 of the TYR protein (p.Val119Leu). This variant is not present in population databases (gnomAD no frequency). This variant has not been reported in the literature in individuals affected with TYR-related conditions. ClinVar contains an entry for this variant (Variation ID: 1368181). An algorithm developed to predict the effect of missense changes on protein structure and function outputs the following: PolyPhen-2: "Benign". The leucine amino acid residue is found in multiple mammalian species, which suggests that this missense change does not adversely affect protein function. In summary, the available evidence is currently insufficient to determine the role of this variant in disease. Therefore, it has been classified as a Variant of Uncertain Significance.